The following is an entry in ClinVar:

ClinVar aggregate classification (germline): Uncertain significance. Review status: criteria provided, multiple submitters, no conflicts (2 of 4 stars). 2 submissions from 2 submitters: Uncertain significance (2). Last evaluated 2021-10-25.

Submissions (2):

Blueprint Genetics
Classification: Uncertain significance. Last evaluated: 2021-10-25. Review status: criteria provided, single submitter. Criteria: ACMG Guidelines, 2015. Collection method: clinical testing. Allele origin: germline.

Labcorp Genetics (formerly Invitae), Labcorp
Classification: Uncertain significance. Last evaluated: 2019-10-26. Review status: criteria provided, single submitter. Criteria: Invitae Variant Classification Sherloc (09022015). Collection method: clinical testing. Allele origin: germline.
Comment: In summary, the available evidence is currently insufficient to determine the role of this variant in disease. Therefore, it has been classified as a Variant of Uncertain Significance. Algorithms developed to predict the effect of missense changes on protein structure and function (SIFT, PolyPhen-2, Align-GVGD) all suggest that this variant is likely to be tolerated, but these predictions have not been confirmed by published functional studies and their clinical significance is uncertain. This variant has not been reported in the literature in individuals with CNGB1-related conditions. This variant is not present in population databases (ExAC no frequency). This sequence change replaces proline with alanine at codon 55 of the CNGB1 protein (p.Pro55Ala). The proline residue is weakly conserved and there is a small physicochemical difference between proline and alanine.

NM_001297.5(CNGB1):c.163C>G (p.Pro55Ala)

Gene: CNGB1 (cyclic nucleotide gated channel subunit beta 1; minus strand). Cytogenetic location: 16q21.
Variant type: single nucleotide variant.
Coding change: c.163C>G on transcript NM_001297.5 (MANE Select); coding-DNA position 163, C replaced by G.
Protein change: p.Pro55Ala; replaces proline 55 with alanine.
Molecular consequence: missense variant.
Genome position (GRCh38, 1-based): chr16:57,964,541, G>C on the plus strand (C>G on the coding strand, the complement: CNGB1 is on the minus strand). VCF-style: chr16-57964541-G-C. GRCh37 (hg19) VCF-style: chr16-57998445-G-C.
Other names: c.163C>G, p.Pro55Ala (NM_001135639.2, NM_001286130.2); short protein forms P55A.
Identifiers: ClinVar variation 970004 (VCV000970004.10), dbSNP rs1198914984, ClinGen allele CA396080725.